The following is an entry in ClinVar:

NM_000051.4(ATM):c.421T>C (p.Cys141Arg)

Gene: ATM (ATM serine/threonine kinase; plus strand). Cytogenetic location: 11q22.3.
Variant type: single nucleotide variant.
Coding change: c.421T>C on transcript NM_000051.4 (MANE Select); coding-DNA position 421, T replaced by C.
Protein change: p.Cys141Arg; replaces cysteine 141 with arginine.
Molecular consequence: missense variant.
Genome position (GRCh38, 1-based): chr11:108,235,759, T>C. VCF-style: chr11-108235759-T-C. GRCh37 (hg19) VCF-style: chr11-108106486-T-C.
Other names: c.421T>C, p.Cys141Arg (NM_001351834.2); short protein forms C141R.
Identifiers: ClinVar variation 2836731 (VCV002836731.3), dbSNP rs1565357020, ClinGen allele CA382525110.

ClinVar aggregate classification (germline): Uncertain significance (1 of 4 stars; one submission).

Conditions:
Ataxia-telangiectasia syndrome (AT). Also called: LOUIS-BAR SYNDROME; Ataxia-telangiectasia, complementation group D; ATAXIA-TELANGIECTASIA, COMPLEMENTATION GROUP A; ATAXIA-TELANGIECTASIA, FRESNO VARIANT; Ataxia-telangiectasia; Ataxia telangiectasia (A-T). Identifiers: Orphanet 100, MedGen C0004135, MONDO:0008840, OMIM 208900.

Allele frequency attached by ClinVar (database versions not stated): gnomAD exomes below 0.00001.
gnomAD v4.1: 1 of 1,613,424 alleles (0.000062%); highest among the groups gnomAD compares: Non-Finnish European, 0.000085%; no homozygotes.

Submission:

Labcorp Genetics (formerly Invitae), Labcorp
Classification: Uncertain significance for Ataxia-telangiectasia syndrome. Last evaluated: 2023-12-27. Review status: criteria provided, single submitter. Criteria: Invitae Variant Classification Sherloc (09022015). Collection method: clinical testing. Allele origin: germline.
Comment: This sequence change replaces cysteine, which is neutral and slightly polar, with arginine, which is basic and polar, at codon 141 of the ATM protein (p.Cys141Arg). This variant is not present in population databases (gnomAD no frequency). This variant has not been reported in the literature in individuals affected with ATM-related conditions. An algorithm developed to predict the effect of missense changes on protein structure and function (PolyPhen-2) suggests that this variant is likely to be disruptive. In summary, the available evidence is currently insufficient to determine the role of this variant in disease. Therefore, it has been classified as a Variant of Uncertain Significance.